The following is an entry in ClinVar:

NM_017636.4(TRPM4):c.3329-3C>T

Gene: TRPM4 (transient receptor potential cation channel subfamily M member 4; plus strand). Cytogenetic location: 19q13.33.
Variant type: single nucleotide variant.
Coding change: c.3329-3C>T on transcript NM_017636.4 (MANE Select); 3 bases into the intron before coding-DNA position 3329, C replaced by T.
Molecular consequence: intron variant.
Genome position (GRCh38, 1-based): chr19:49,210,707, C>T. VCF-style: chr19-49210707-C-T. GRCh37 (hg19) VCF-style: chr19-49713964-C-T.
Other names: c.2894-3C>T (NM_001195227.2); c.1721-3C>T (NM_001321282.2); c.2984-3C>T (NM_001321281.2); c.2807-3C>T (NM_001321283.2); c.2267-3C>T (NM_001321285.2).
Identifiers: ClinVar variation 1730273 (VCV001730273.2), dbSNP rs1969323544, ClinGen allele CA2340294573.

ClinVar aggregate classification (germline): Uncertain significance (1 of 4 stars; one submission).

Conditions:
Cardiovascular phenotype. Identifiers: MedGen CN230736.

gnomAD v4.1: 2 of 1,614,102 alleles (0.00012%); highest among the groups gnomAD compares: East Asian, 0.0022%; no homozygotes.

Submission:

Ambry Genetics
Classification: Uncertain significance for Cardiovascular phenotype. Last evaluated: 2022-06-15. Review status: criteria provided, single submitter. Criteria: Ambry Variant Classification Scheme 2023. Collection method: clinical testing. Allele origin: germline.
Comment: The c.3329-3C>T intronic variant results from a C to T substitution 3 nucleotides upstream from coding exon 22 in the TRPM4 gene. This nucleotide position is well conserved in available vertebrate species. In silico splice site analysis predicts that this alteration will not have any significant effect on splicing. Since supporting evidence is limited at this time, the clinical significance of this alteration remains unclear.